The following is an entry in ClinVar:

ClinVar aggregate classification (germline): Benign/Likely benign. Review status: criteria provided, multiple submitters, no conflicts (2 of 4 stars). 4 submissions from 4 submitters: Benign (2); Likely benign (2). Last evaluated 2025-02-04.

Conditions:
Autosomal dominant limb-girdle muscular dystrophy type 1D (DNAJB6) (LGMDD1). Also called: MUSCULAR DYSTROPHY, LIMB-GIRDLE, TYPE 1D; MUSCULAR DYSTROPHY, AUTOSOMAL DOMINANT, WITH RIMMED VACUOLES; Autosomal dominant limb-girdle muscular dystrophy type 1D; Muscular dystrophy, limb-girdle, autosomal dominant 1. Identifiers: Orphanet 34516, MedGen C4721885, MONDO:0021018, OMIM 603511.

Allele frequency attached by ClinVar (database versions not stated): gnomAD below 0.00001 and 0.00016; TOPMed 0.00002; gnomAD exomes 0.00021 and 0.00041; 1000 Genomes Project 0.00040; ExAC 0.00052; 1000 Genomes Project 30x 0.00078.

Submissions (4):

Labcorp Genetics (formerly Invitae), Labcorp
Classification: Benign for Autosomal dominant limb-girdle muscular dystrophy type 1D (DNAJB6). Last evaluated: 2025-02-04. Review status: criteria provided, single submitter. Criteria: Invitae Variant Classification Sherloc (09022015). Collection method: clinical testing. Allele origin: germline.

Blueprint Genetics
Classification: Likely benign. Last evaluated: 2024-11-19. Review status: criteria provided, single submitter. Criteria: ACMG Guidelines, 2015. Collection method: clinical testing. Allele origin: germline.

Illumina Laboratory Services, Illumina
Classification: Benign for Autosomal dominant limb-girdle muscular dystrophy type 1D (DNAJB6). Last evaluated: 2018-01-12. Review status: criteria provided, single submitter. Criteria: ICSL Variant Classification Criteria 13 December 2019. Collection method: clinical testing. Allele origin: germline.
Comment: This variant was observed in the ICSL laboratory as part of a predisposition screen in an ostensibly healthy population. It had not been previously curated by ICSL or reported in the Human Gene Mutation Database (HGMD: prior to June 1st, 2018), and was therefore a candidate for classification through an automated scoring system. Utilizing variant allele frequency, disease prevalence and penetrance estimates, and inheritance mode, an automated score was calculated to assess if this variant is too frequent to cause the disease. Based on the score and internal cut-off values, a variant classified as benign is not then subjected to further curation. The score for this variant resulted in a classification of benign for this disease.

Eurofins Ntd Llc (ga)
Classification: Likely benign. Last evaluated: 2016-06-03. Review status: criteria provided, single submitter. Criteria: EGL Classification Definitions 2015. Collection method: clinical testing. Allele origin: germline. Observed: 1 variant allele, 1 heterozygote.

NM_058246.4(DNAJB6):c.948G>A (p.Ser316=)

Gene: DNAJB6 (DnaJ heat shock protein family (Hsp40) member B6; plus strand). Cytogenetic location: 7q36.3.
Variant type: single nucleotide variant.
Coding change: c.948G>A on transcript NM_058246.4 (MANE Select); coding-DNA position 948, G replaced by A.
Protein change: p.Ser316=; no amino-acid change (serine 316 retained).
Molecular consequence: synonymous variant.
Genome position (GRCh38, 1-based): chr7:157,416,065, G>A. VCF-style: chr7-157416065-G-A. GRCh37 (hg19) VCF-style: chr7-157208759-G-A.
Other names: c.603G>A, p.Ser201= (NM_001363676.1).
Identifiers: ClinVar variation 288447 (VCV000288447.25), dbSNP rs565527346, ClinGen allele CA4590680.